The following is an entry in ClinVar:

NM_012073.5(CCT5):c.469G>T (p.Val157Phe)

Gene: CCT5 (chaperonin containing TCP1 subunit 5; plus strand). Cytogenetic location: 5p15.2.
Variant type: single nucleotide variant.
Coding change: c.469G>T on transcript NM_012073.5 (MANE Select); coding-DNA position 469, G replaced by T.
Protein change: p.Val157Phe; replaces valine 157 with phenylalanine.
Molecular consequence: missense variant.
Genome position (GRCh38, 1-based): chr5:10,256,092, G>T. VCF-style: chr5-10256092-G-T. GRCh37 (hg19) VCF-style: chr5-10256204-G-T.
Other names: c.406G>T, p.Val136Phe (NM_001306153.1); c.304G>T, p.Val102Phe (NM_001306154.2); c.190G>T, p.Val64Phe (NM_001306155.2); c.355G>T, p.Val119Phe (NM_001306156.2); short protein forms V102F, V119F, V136F, V157F, V64F.
Identifiers: ClinVar variation 2906036 (VCV002906036.4), dbSNP rs753294597, ClinGen allele CA3198087.

ClinVar aggregate classification (germline): Uncertain significance. Review status: criteria provided, multiple submitters, no conflicts (2 of 4 stars). 2 submissions from 2 submitters: Uncertain significance (2). Last evaluated 2024-12-17.

Conditions:
Hereditary sensory and autonomic neuropathy with spastic paraplegia (HSNSP). Identifiers: Orphanet 139578, MedGen C1850395, MONDO:0009748, OMIM 256840.

Allele frequency attached by ClinVar (database versions not stated): TOPMed below 0.00001; ExAC 0.00006.
gnomAD v4.1: 44 of 1,613,884 alleles (0.0027%); highest among the groups gnomAD compares: Middle Eastern, 0.033%; no homozygotes.

Submissions (2):

Ambry Genetics
Classification: Uncertain significance. Last evaluated: 2024-12-17. Review status: criteria provided, single submitter. Criteria: Ambry Variant Classification Scheme 2023. Collection method: clinical testing. Allele origin: germline.

Labcorp Genetics (formerly Invitae), Labcorp
Classification: Uncertain significance for Hereditary sensory and autonomic neuropathy with spastic paraplegia. Last evaluated: 2023-10-09. Review status: criteria provided, single submitter. Criteria: Invitae Variant Classification Sherloc (09022015). Collection method: clinical testing. Allele origin: germline.
Comment: This sequence change replaces valine, which is neutral and non-polar, with phenylalanine, which is neutral and non-polar, at codon 157 of the CCT5 protein (p.Val157Phe). This variant is present in population databases (rs753294597, gnomAD 0.03%). This variant has not been reported in the literature in individuals affected with CCT5-related conditions. Experimental studies and prediction algorithms are not available or were not evaluated, and the functional significance of this variant is currently unknown. In summary, the available evidence is currently insufficient to determine the role of this variant in disease. Therefore, it has been classified as a Variant of Uncertain Significance.